The following is an entry in ClinVar:

NM_001194.4(HCN2):c.1153C>T (p.Gln385Ter)

Gene: HCN2 (hyperpolarization activated cyclic nucleotide gated potassium and sodium channel 2; plus strand). Cytogenetic location: 19p13.3.
Variant type: single nucleotide variant.
Coding change: c.1153C>T on transcript NM_001194.4 (MANE Select); coding-DNA position 1153, C replaced by T.
Protein change: p.Gln385Ter; replaces glutamine 385 with a stop codon.
Molecular consequence: nonsense.
Genome position (GRCh38, 1-based): chr19:605,157, C>T. VCF-style: chr19-605157-C-T. GRCh37 (hg19) VCF-style: chr19-605157-C-T.
Other names: short protein forms Q385*.
Identifiers: ClinVar variation 4540098 (VCV004540098.1).

ClinVar aggregate classification (germline): Uncertain significance (1 of 4 stars; one submission).

Submission:

GeneDx
Classification: Uncertain significance. Last evaluated: 2025-06-17. Review status: criteria provided, single submitter. Criteria: GeneDx Variant Classification Process June 2021. Collection method: clinical testing. Allele origin: germline. Affected: yes.
Comment: Nonsense variant predicted to result in protein truncation or nonsense mediated decay in a gene or region of a gene for which loss of function is not a well-established mechanism of disease; Not observed at significant frequency in large population cohorts (gnomAD); Has not been previously published as pathogenic or benign to our knowledge